The following is an entry in ClinVar:

NM_024596.5(MCPH1):c.2257G>A (p.Gly753Arg)

Genes: MCPH1 (microcephalin 1; plus strand), MCPH1-AS1 (MCPH1 antisense RNA 1; minus strand). Cytogenetic location: 8p23.1.
Variant type: single nucleotide variant.
Coding change: c.2257G>A on transcript NM_024596.5 (MANE Select); coding-DNA position 2257, G replaced by A.
Protein change: p.Gly753Arg; replaces glycine 753 with arginine.
Molecular consequence: missense variant. On other transcripts: non-coding transcript variant (1).
Genome position (GRCh38, 1-based): chr8:6,621,496, G>A. VCF-style: chr8-6621496-G-A. GRCh37 (hg19) VCF-style: chr8-6479017-G-A.
Other names: c.2257G>A, p.Gly753Arg (NM_001322042.2, NM_001363979.1); c.1978G>A, p.Gly660Arg (NM_001363980.2); short protein forms G660R, G753R.
Identifiers: ClinVar variation 975288 (VCV000975288.4), dbSNP rs587783737, ClinGen allele CA4611480.

ClinVar aggregate classification (germline): Uncertain significance. Review status: criteria provided, multiple submitters, no conflicts (2 of 4 stars). 3 submissions from 3 submitters: Uncertain significance (2). 1 of the submissions does not count toward it. Last evaluated 2022-03-14.

Conditions:
Microcephaly 1, primary, autosomal recessive (MCPH1). Also called: PREMATURE CHROMOSOME CONDENSATION SYNDROME; PCC SYNDROME; PREMATURE CHROMOSOME CONDENSATION WITH MICROCEPHALY AND MENTAL RETARDATION. Identifiers: Orphanet 2512, MedGen C1855081, MONDO:0009617, OMIM 251200.
Intellectual disability. Also called: intellectual disabilities; Intellectual developmental disorder; Intellectual functioning disability. Identifiers: MedGen C3714756, MeSH D008607, MONDO:0001071, HP:0001249.

Allele frequency attached by ClinVar (database versions not stated): TOPMed 0.00002.
gnomAD v4.1: 32 of 1,613,972 alleles (0.002%); highest among the groups gnomAD compares: East Asian, 0.016%; no homozygotes.

Submissions (3):

Labcorp Genetics (formerly Invitae), Labcorp
Classification: Uncertain significance. Last evaluated: 2022-03-14. Review status: criteria provided, single submitter. Criteria: Invitae Variant Classification Sherloc (09022015). Collection method: clinical testing. Allele origin: germline.
Comment: This sequence change replaces glycine, which is neutral and non-polar, with arginine, which is basic and polar, at codon 753 of the MCPH1 protein (p.Gly753Arg). This variant is present in population databases (rs587783737, gnomAD 0.03%). This variant has not been reported in the literature in individuals affected with MCPH1-related conditions. ClinVar contains an entry for this variant (Variation ID: 975288). Algorithms developed to predict the effect of missense changes on protein structure and function are either unavailable or do not agree on the potential impact of this missense change (SIFT: "Not Available"; PolyPhen-2: "Probably Damaging"; Align-GVGD: "Not Available"). In summary, the available evidence is currently insufficient to determine the role of this variant in disease. Therefore, it has been classified as a Variant of Uncertain Significance.

Fulgent Genetics
Classification: Uncertain significance for Microcephaly 1, primary, autosomal recessive. Last evaluated: 2021-12-09. Review status: criteria provided, single submitter. Criteria: ACMG Guidelines, 2015. Collection method: clinical testing. Allele origin: unknown.

Centre de Biologie Pathologie Génétique, Centre Hospitalier Universitaire de Lille
Classification: Uncertain significance for Intellectual disability. Last evaluated: 2019-01-01. Review status: no assertion criteria provided. Collection method: clinical testing. Allele origin: unknown. Affected: yes. Not counted in ClinVar's aggregate classification.